The following is an entry in ClinVar:

ClinVar aggregate classification (germline): Benign/Likely benign. Review status: criteria provided, multiple submitters, no conflicts (2 of 4 stars). 6 submissions from 6 submitters: Benign (2); Likely benign (3). 1 of the submissions does not count toward it. Last evaluated 2026-01-05.

Conditions:
SPAST-related disorder. Also called: SPAST-related condition.
Hereditary spastic paraplegia 4. Also called: Spastic paraplegia 4, autosomal dominant; Spastic Paraplegia 4; Familial spastic paraplegia autosomal dominant 2. Identifiers: Orphanet 100985, MedGen C1866855, MONDO:0008438, OMIM 182601.

Allele frequency attached by ClinVar (database versions not stated): gnomAD 0.00028 and 0.00029; ESP Exome Variant Server 0.00031; TOPMed 0.00036; ExAC 0.00056.
gnomAD v4.1: 427 of 1,592,838 alleles (0.027%); highest among the groups gnomAD compares: Admixed American, 0.041%; 2 homozygotes.

Submissions (6):

Labcorp Genetics (formerly Invitae), Labcorp
Classification: Benign for Hereditary spastic paraplegia 4. Last evaluated: 2026-01-05. Review status: criteria provided, single submitter. Criteria: Invitae Variant Classification Sherloc (09022015). Collection method: clinical testing. Allele origin: germline.

CeGaT Center for Human Genetics Tuebingen
Classification: Likely benign. Last evaluated: 2025-08-01. Review status: criteria provided, single submitter. Criteria: CeGaT Center For Human Genetics Tuebingen Variant Classification Criteria Version 2. Collection method: clinical testing. Allele origin: germline. Affected: yes. Observed: 1 variant allele.
Comment: SPAST: BS2

Mayo Clinic Laboratories, Mayo Clinic
Classification: Benign. Last evaluated: 2024-06-04. Review status: criteria provided, single submitter. Criteria: ACMG Guidelines, 2015. Collection method: clinical testing. Allele origin: germline. Observed: 2 variant alleles.
Comment: BS1, BS2, BP2, BP4

GeneDx
Classification: Likely benign. Last evaluated: 2021-03-02. Review status: criteria provided, single submitter. Criteria: GeneDx Variant Classification Process June 2021. Collection method: clinical testing. Allele origin: germline. Affected: yes.
Comment: This variant is associated with the following publications: (PMID: 20718791)

Illumina Laboratory Services, Illumina
Classification: Likely benign for Hereditary spastic paraplegia 4. Last evaluated: 2017-04-27. Review status: criteria provided, single submitter. Criteria: ICSL Variant Classification Criteria 13 December 2019. Collection method: clinical testing. Allele origin: germline.
Comment: This variant was observed as part of a predisposition screen in an ostensibly healthy population. A literature search was performed for the gene, cDNA change, and amino acid change (where applicable). Publications were found based on this search. The evidence from the literature, in combination with allele frequency data from public databases where available, was sufficient to determine this variant is unlikely to cause disease. Therefore, this variant is classified as likely benign.

PreventionGenetics, part of Exact Sciences
Classification: Likely benign for SPAST-related condition. Last evaluated: 2022-09-15. Review status: no assertion criteria provided. Collection method: clinical testing. Allele origin: germline. Not counted in ClinVar's aggregate classification.
Comment: This variant is classified as likely benign based on ACMG/AMP sequence variant interpretation guidelines (Richards et al. 2015 PMID: 25741868, with internal and published modifications).

Literature cited by the submitters: PubMed 20718791 (cited by Mayo Clinic Laboratories, Mayo Clinic and Illumina Laboratory Services, Illumina).

NM_014946.4(SPAST):c.289C>A (p.Pro97Thr)

Gene: SPAST (spastin; plus strand). Cytogenetic location: 2p22.3.
Variant type: single nucleotide variant.
Coding change: c.289C>A on transcript NM_014946.4 (MANE Select); coding-DNA position 289, C replaced by A.
Protein change: p.Pro97Thr; replaces proline 97 with threonine.
Molecular consequence: missense variant.
Genome position (GRCh38, 1-based): chr2:32,064,120, C>A. VCF-style: chr2-32064120-C-A. GRCh37 (hg19) VCF-style: chr2-32289189-C-A.
Other names: c.289C>A, p.Pro97Thr (NM_001363823.2, NM_001363875.2, NM_001377959.1 and 1 more transcripts); short protein forms P97T.
Identifiers: ClinVar variation 220021 (VCV000220021.64), dbSNP rs372005558, ClinGen allele CA349578.